The following is an entry in ClinVar:

ClinVar aggregate classification (germline): Likely benign (1 of 4 stars; one submission).

gnomAD v4.1: 31 of 1,611,338 alleles (0.0019%); highest among the groups gnomAD compares: Non-Finnish European, 0.0023%; no homozygotes.

Submission:

CeGaT Center for Human Genetics Tuebingen
Classification: Likely benign. Last evaluated: 2025-06-01. Review status: criteria provided, single submitter. Criteria: CeGaT Center For Human Genetics Tuebingen Variant Classification Criteria Version 2. Collection method: clinical testing. Allele origin: germline. Affected: yes. Observed: 1 variant allele.
Comment: COL6A2: PP3, BS2

NM_001849.4(COL6A2):c.701T>C (p.Ile234Thr)

Gene: COL6A2 (collagen type VI alpha 2 chain; plus strand). Cytogenetic location: 21q22.3.
Variant type: single nucleotide variant.
Coding change: c.701T>C on transcript NM_001849.4 (MANE Select); coding-DNA position 701, T replaced by C.
Protein change: p.Ile234Thr; replaces isoleucine 234 with threonine.
Molecular consequence: missense variant.
Genome position (GRCh38, 1-based): chr21:46,112,564, T>C. VCF-style: chr21-46112564-T-C. GRCh37 (hg19) VCF-style: chr21-47532478-T-C.
Other names: c.701T>C, p.Ile234Thr (NM_058174.3, NM_058175.3); short protein forms I234T.
Identifiers: ClinVar variation 4084991 (VCV004084991.8).
Genomic context (GRCh38, chr21:46,112,564, plus strand): 5'-ACGACTACGCCACCATGCTGCCCGACTCCACCGAGATCGACCAGGACACCATCAACCGCA[T>C]CATCAAGGTCATGGTGAGCCGCGGGCGGGAGCACCGTCCACGCGCCAGGGGTGGCCACGG-3'
Protein context (NP_001840.3, residues 224-244): TEIDQDTINR[Ile234Thr]IKVMKHEAYG